The following is an entry in ClinVar:

ClinVar aggregate classification (germline): Uncertain significance. Review status: criteria provided, multiple submitters, no conflicts (2 of 4 stars). 2 submissions from 2 submitters: Uncertain significance (2). Last evaluated 2025-06-12.

Allele frequency attached by ClinVar (database versions not stated): gnomAD exomes below 0.00001 and 0.00001; gnomAD 0.00001 and 0.00002; TOPMed 0.00002.
gnomAD v4.1: 7 of 1,614,172 alleles (0.00043%); highest among the groups gnomAD compares: African/African-American, 0.004%; no homozygotes.

Submissions (2):

Labcorp Genetics (formerly Invitae), Labcorp
Classification: Uncertain significance. Last evaluated: 2025-06-12. Review status: criteria provided, single submitter. Criteria: Invitae Variant Classification Sherloc (09022015). Collection method: clinical testing. Allele origin: germline.
Comment: This sequence change replaces asparagine, which is neutral and polar, with serine, which is neutral and polar, at codon 566 of the ANLN protein (p.Asn566Ser). This variant is present in population databases (no rsID available, gnomAD 0.004%). This variant has not been reported in the literature in individuals affected with ANLN-related conditions. ClinVar contains an entry for this variant (Variation ID: 1514405). Invitae Evidence Modeling of protein sequence and biophysical properties (such as structural, functional, and spatial information, amino acid conservation, physicochemical variation, residue mobility, and thermodynamic stability) indicates that this missense variant is not expected to disrupt ANLN protein function with a negative predictive value of 80%. In summary, the available evidence is currently insufficient to determine the role of this variant in disease. Therefore, it has been classified as a Variant of Uncertain Significance.

Ambry Genetics
Classification: Uncertain significance. Last evaluated: 2022-09-06. Review status: criteria provided, single submitter. Criteria: Ambry Variant Classification Scheme 2023. Collection method: clinical testing. Allele origin: germline.

NM_018685.5(ANLN):c.1697A>G (p.Asn566Ser)

Gene: ANLN (anillin, actin binding protein; plus strand). Cytogenetic location: 7p14.2.
Variant type: single nucleotide variant.
Coding change: c.1697A>G on transcript NM_018685.5 (MANE Select); coding-DNA position 1697, A replaced by G.
Protein change: p.Asn566Ser; replaces asparagine 566 with serine.
Molecular consequence: missense variant.
Genome position (GRCh38, 1-based): chr7:36,419,307, A>G. VCF-style: chr7-36419307-A-G. GRCh37 (hg19) VCF-style: chr7-36458916-A-G.
Other names: c.1586A>G, p.Asn529Ser (NM_001284301.3); c.1583A>G, p.Asn528Ser (NM_001284302.3); c.1697A>G (NM_018685.2); short protein forms N566S, N528S, N529S.
Identifiers: ClinVar variation 1514405 (VCV001514405.7), dbSNP rs1323243348, ClinGen allele CA367212046.